The following is an entry in ClinVar:

ClinVar aggregate classification (germline): Uncertain significance (1 of 4 stars; one submission).

Allele frequency attached by ClinVar (database versions not stated): ExAC 0.00001; gnomAD 0.00001; gnomAD exomes 0.00001; TOPMed 0.00001.
gnomAD v4.1: 18 of 1,610,964 alleles (0.0011%); highest among the groups gnomAD compares: Non-Finnish European, 0.0014%; no homozygotes.

Submissions (2):

Labcorp Genetics (formerly Invitae), Labcorp
Classification: Uncertain significance. Last evaluated: 2022-09-16. Review status: criteria provided, single submitter. Criteria: Invitae Variant Classification Sherloc (09022015). Collection method: clinical testing. Allele origin: germline.
Comment: Algorithms developed to predict the effect of missense changes on protein structure and function (SIFT, PolyPhen-2, Align-GVGD) all suggest that this variant is likely to be tolerated. In summary, the available evidence is currently insufficient to determine the role of this variant in disease. Therefore, it has been classified as a Variant of Uncertain Significance. This variant has not been reported in the literature in individuals affected with CNOT1-related conditions. This variant is present in population databases (rs750430533, gnomAD 0.002%). This sequence change replaces lysine, which is basic and polar, with glutamine, which is neutral and polar, at codon 208 of the CNOT1 protein (p.Lys208Gln).

Dr. Peter K. Rogan Lab, Western University
No classification provided (evidence only). Condition: Lung cancer. Review status: no classification provided. Collection method: in vitro. Allele origin: not applicable. Functional consequence: retained intron. Not counted in ClinVar's aggregate classification.

NM_016284.5(CNOT1):c.622A>C (p.Lys208Gln)

Gene: CNOT1 (CCR4-NOT transcription complex subunit 1; minus strand). Cytogenetic location: 16q21.
Variant type: single nucleotide variant.
Coding change: c.622A>C on transcript NM_016284.5 (MANE Select); coding-DNA position 622, A replaced by C.
Protein change: p.Lys208Gln; replaces lysine 208 with glutamine.
Molecular consequence: missense variant. On other transcripts: non-coding transcript variant (1).
Genome position (GRCh38, 1-based): chr16:58,586,560, T>G on the plus strand (A>C on the coding strand, the complement: CNOT1 is on the minus strand). VCF-style: chr16-58586560-T-G. GRCh37 (hg19) VCF-style: chr16-58620464-T-G.
Other names: c.622A>C, p.Lys208Gln (NM_001265612.2, NM_206999.3); short protein forms K208Q.
Identifiers: ClinVar variation 2030773 (VCV002030773.5), dbSNP rs750430533, ClinGen allele CA8090126.